The following is an entry in ClinVar:

ClinVar aggregate classification (germline): Pathogenic (1 of 4 stars; one submission).

Submission:

Labcorp Genetics (formerly Invitae), Labcorp
Classification: Pathogenic. Last evaluated: 2023-08-17. Review status: criteria provided, single submitter. Criteria: Invitae Variant Classification Sherloc (09022015). Collection method: clinical testing. Allele origin: germline.
Comment: For these reasons, this variant has been classified as Pathogenic. ClinVar contains an entry for this variant (Variation ID: 1453214). This variant has not been reported in the literature in individuals affected with PCARE-related conditions. This variant is not present in population databases (gnomAD no frequency). This sequence change creates a premature translational stop signal (p.Ser445Phefs*13) in the PCARE gene. It is expected to result in an absent or disrupted protein product. Loss-of-function variants in PCARE are known to be pathogenic (PMID: 20398886, 24339724, 26496393).

Literature cited by the submitters: PubMed 20398886; PubMed 24339724; PubMed 26496393.

NM_001029883.3(PCARE):c.1333dup (p.Ser445fs)

Gene: PCARE (photoreceptor cilium actin regulator; minus strand). Cytogenetic location: 2p23.2.
Variant type: Duplication.
Coding change: c.1333dup on transcript NM_001029883.3 (MANE Select); coding-DNA position 1333, one base duplicated (T; older notation c.1333dupT).
Protein change: p.Ser445fs; shifts the reading frame from serine 445.
Molecular consequence: frameshift variant.
Genome position (GRCh38, 1-based): chr2:29,072,929, A duplicated on the plus strand (T on the coding strand, the reverse complement: PCARE is on the minus strand). VCF-style (leftmost placement, unchanged base first): chr2-29072928-G-GA. GRCh37 (hg19) VCF-style: chr2-29295794-G-GA.
Other names: short protein forms S445fs.
Identifiers: ClinVar variation 1453214 (VCV001453214.6), dbSNP rs2148416373, ClinGen allele CA2573134458.